The following is an entry in ClinVar:

NM_000321.3(RB1):c.1499-15T>C

Gene: RB1 (RB transcriptional corepressor 1; plus strand). Cytogenetic location: 13q14.2.
Variant type: single nucleotide variant.
Coding change: c.1499-15T>C on transcript NM_000321.3 (MANE Select); 15 bases into the intron before coding-DNA position 1499, T replaced by C.
Molecular consequence: intron variant.
Genome position (GRCh38, 1-based): chr13:48,381,232, T>C. VCF-style: chr13-48381232-T-C. GRCh37 (hg19) VCF-style: chr13-48955368-T-C.
Other names: c.1499-15T>C (NM_001407165.1, NM_001407166.1).
Identifiers: ClinVar variation 4756208 (VCV004756208.2).

ClinVar aggregate classification (germline): Likely benign. Review status: criteria provided, multiple submitters, no conflicts (2 of 4 stars). 2 submissions from 2 submitters: Likely benign (2). Last evaluated 2026-06-18.

Conditions:
Retinoblastoma (RB1). Also called: RETINOBLASTOMA, SOMATIC. Identifiers: Orphanet 790, MedGen C0035335, MeSH D012175, MONDO:0008380, OMIM 180200, HP:0009919. Disease mechanism: loss of function. Inheritance: Both sporadic and heritable forms are tested..

Submissions (2):

Myriad Genetics, Inc.
Classification: Likely benign for Retinoblastoma. Last evaluated: 2026-06-18. Review status: criteria provided, single submitter. Criteria: Myriad Autosomal Dominant, Autosomal Recessive and X-Linked Classification Criteria (2023). Collection method: clinical testing. Allele origin: unknown.
Comment: This variant is considered likely benign. This variant is intronic and is not expected to impact mRNA splicing.

Color Diagnostics, LLC DBA Color Health
Classification: Likely benign for Retinoblastoma. Last evaluated: 2025-08-22. Review status: criteria provided, single submitter. Criteria: ACMG Guidelines, 2015. Collection method: clinical testing. Allele origin: germline.